The following is an entry in ClinVar:

ClinVar aggregate classification (germline): Uncertain significance. Review status: criteria provided, multiple submitters, no conflicts (2 of 4 stars). 2 submissions from 2 submitters: Uncertain significance (2). Last evaluated 2026-01-20.

Conditions:
Erythrocytosis, familial, 3 (ECYT3). Identifiers: Orphanet 247511, MedGen C1853286, MONDO:0012353, OMIM 609820.

Submissions (2):

Labcorp Genetics (formerly Invitae), Labcorp
Classification: Uncertain significance for Erythrocytosis, familial, 3. Last evaluated: 2026-01-20. Review status: criteria provided, single submitter. Criteria: Invitae Variant Classification Sherloc (09022015). Collection method: clinical testing. Allele origin: germline.
Comment: This variant, c.1245_1247del, results in the deletion of 1 amino acid(s) of the EGLN1 protein (p.Asn415del), but otherwise preserves the integrity of the reading frame. This variant is not present in population databases (gnomAD no frequency). This variant has not been reported in the literature in individuals affected with EGLN1-related conditions. ClinVar contains an entry for this variant (Variation ID: 1759180). Experimental studies and prediction algorithms are not available or were not evaluated, and the functional significance of this variant is currently unknown. In summary, the available evidence is currently insufficient to determine the role of this variant in disease. Therefore, it has been classified as a Variant of Uncertain Significance.

Ambry Genetics
Classification: Uncertain significance. Last evaluated: 2023-04-25. Review status: criteria provided, single submitter. Criteria: Ambry Variant Classification Scheme 2023. Collection method: clinical testing. Allele origin: germline.
Comment: The c.1245_1247delTAA variant (also known as p.N415del) is located in coding exon 5 of the EGLN1 gene. This variant results from an in-frame TAA deletion at nucleotide positions 1245 to 1247. This results in the in-frame deletion of an asparagine at codon 415. This amino acid position is highly conserved in available vertebrate species. The evidence for this gene-disease relationship is limited; therefore, the clinical significance of this alteration is unclear.

NM_022051.3(EGLN1):c.1245_1247del (p.Asn415del)

Gene: EGLN1 (egl-9 family hypoxia inducible factor 1; minus strand). Cytogenetic location: 1q42.2.
Variant type: Deletion.
Coding change: c.1245_1247del on transcript NM_022051.3 (MANE Select); coding-DNA positions 1245 to 1247, 3 bases deleted (TAA; older notation c.1245_1247delTAA).
Protein change: p.Asn415del; deletes asparagine 415.
Molecular consequence: inframe deletion. On other transcripts: 3 prime UTR variant (2).
Genome position (GRCh38, 1-based): chr1:231,366,445-231,366,447, TTA deleted on the plus strand (TAA on the coding strand, the reverse complement: EGLN1 is on the minus strand); deleting any 3 consecutive bases within chr1:231,366,445-231,366,449 gives the same sequence; the c. name uses the placement nearest the transcript's 3' end. VCF-style (leftmost placement, unchanged base first): chr1-231366444-TTTA-T. GRCh37 (hg19) VCF-style: chr1-231502190-TTTA-T.
Other names: c.*25_*27del (NM_001377260.1); c.*70_*72del (NM_001377261.1); short protein forms N415del.
Identifiers: ClinVar variation 1759180 (VCV001759180.4), dbSNP rs2527215617, ClinGen allele CA2574154901.